The following is an entry in ClinVar:

ClinVar aggregate classification (germline): Uncertain significance (1 of 4 stars; one submission).

gnomAD v4.1: 1 of 1,211,801 alleles (0.000083%); highest among the groups gnomAD compares: Non-Finnish European, 0.00011%; no homozygotes.

Submission:

GeneDx
Classification: Uncertain significance. Last evaluated: 2024-09-12. Review status: criteria provided, single submitter. Criteria: GeneDx Variant Classification Process June 2021. Collection method: clinical testing. Allele origin: germline. Affected: yes.
Comment: Not observed at significant frequency in large population cohorts (gnomAD); Missense variants in this gene are a common cause of disease and they are underrepresented in the general population; In silico analysis supports that this missense variant has a deleterious effect on protein structure/function; Has not been previously published as pathogenic or benign to our knowledge

NM_001399.5(EDA):c.209G>C (p.Arg70Pro)

Gene: EDA (ectodysplasin A; plus strand). Cytogenetic location: Xq13.1.
Variant type: single nucleotide variant.
Coding change: c.209G>C on transcript NM_001399.5 (MANE Select); coding-DNA position 209, G replaced by C.
Protein change: p.Arg70Pro; replaces arginine 70 with proline.
Molecular consequence: missense variant.
Genome position (GRCh38, 1-based): chrX:69,616,517, G>C. VCF-style: chrX-69616517-G-C. GRCh37 (hg19) VCF-style: chrX-68836361-G-C.
Other names: c.209G>C, p.Arg70Pro (NM_001005609.2, NM_001005610.4, NM_001005612.3 and 1 more transcripts); short protein forms R70P.
Identifiers: ClinVar variation 3770010 (VCV003770010.1).